The following is an entry in ClinVar:

NM_020458.4(TTC7A):c.280A>C (p.Lys94Gln)

Gene: TTC7A (tetratricopeptide repeat domain 7A; plus strand). Cytogenetic location: 2p21.
Variant type: single nucleotide variant.
Coding change: c.280A>C on transcript NM_020458.4 (MANE Select); coding-DNA position 280, A replaced by C.
Protein change: p.Lys94Gln; replaces lysine 94 with glutamine.
Molecular consequence: missense variant. On other transcripts: 5 prime UTR variant (1).
Genome position (GRCh38, 1-based): chr2:46,950,458, A>C. VCF-style: chr2-46950458-A-C. GRCh37 (hg19) VCF-style: chr2-47177597-A-C.
Other names: c.280A>C, p.Lys94Gln (LRG_1323t1, NM_001288951.2); c.280A>C (NM_020458.2); c.178A>C, p.Lys60Gln (NM_001288953.2); c.-625A>C (NM_001288955.2); short protein forms K94Q, K60Q.
Identifiers: ClinVar variation 528457 (VCV000528457.26), dbSNP rs766411601, ClinGen allele CA1647076.

ClinVar aggregate classification (germline): Uncertain significance. Review status: criteria provided, multiple submitters, no conflicts (2 of 4 stars). 4 submissions from 4 submitters: Uncertain significance (4). Last evaluated 2025-12-09.

Conditions:
Multiple gastrointestinal atresias. Also called: Multiple intestinal atresia; FAMILIAL INTESTINAL POLYATRESIA SYNDROME. Identifiers: Orphanet 2300, MedGen C0220744, MONDO:0009465.
Inborn genetic diseases. Identifiers: MedGen C0950123, MeSH D030342.

Allele frequency attached by ClinVar (database versions not stated): gnomAD 0.00002 and 0.00003; TOPMed 0.00003; ExAC 0.00004; gnomAD exomes 0.00005 and 0.00006.
gnomAD v4.1: 89 of 1,614,046 alleles (0.0055%); highest among the groups gnomAD compares: Non-Finnish European, 0.007%; no homozygotes.

Submissions (4):

Ambry Genetics
Classification: Uncertain significance for Inborn genetic diseases. Last evaluated: 2025-12-09. Review status: criteria provided, single submitter. Criteria: Ambry Variant Classification Scheme 2023. Collection method: clinical testing. Allele origin: germline.

CeGaT Center for Human Genetics Tuebingen
Classification: Uncertain significance. Last evaluated: 2024-12-01. Review status: criteria provided, single submitter. Criteria: CeGaT Center For Human Genetics Tuebingen Variant Classification Criteria Version 2. Collection method: clinical testing. Allele origin: germline. Affected: yes. Observed: 2 variant alleles.
Comment: TTC7A: PM2, BP4

Labcorp Genetics (formerly Invitae), Labcorp
Classification: Uncertain significance for Multiple gastrointestinal atresias. Last evaluated: 2023-10-13. Review status: criteria provided, single submitter. Criteria: Invitae Variant Classification Sherloc (09022015). Collection method: clinical testing. Allele origin: germline.
Comment: This sequence change replaces lysine, which is basic and polar, with glutamine, which is neutral and polar, at codon 94 of the TTC7A protein (p.Lys94Gln). This variant is present in population databases (rs766411601, gnomAD 0.01%). This variant has not been reported in the literature in individuals affected with TTC7A-related conditions. ClinVar contains an entry for this variant (Variation ID: 528457). Advanced modeling of protein sequence and biophysical properties (such as structural, functional, and spatial information, amino acid conservation, physicochemical variation, residue mobility, and thermodynamic stability) performed at Invitae indicates that this missense variant is not expected to disrupt TTC7A protein function. In summary, the available evidence is currently insufficient to determine the role of this variant in disease. Therefore, it has been classified as a Variant of Uncertain Significance.

GeneDx
Classification: Uncertain significance. Last evaluated: 2023-04-14. Review status: criteria provided, single submitter. Criteria: GeneDx Variant Classification Process June 2021. Collection method: clinical testing. Allele origin: germline. Affected: yes.
Comment: In silico analysis supports that this missense variant does not alter protein structure/function; Has not been previously published as pathogenic or benign to our knowledge